The following is an entry in ClinVar:

NM_000179.3(MSH6):c.627+5G>A

Gene: MSH6 (mutS homolog 6; plus strand). Cytogenetic location: 2p16.3.
Variant type: single nucleotide variant.
Coding change: c.627+5G>A on transcript NM_000179.3 (MANE Select); 5 bases into the intron after coding-DNA position 627, G replaced by A.
Molecular consequence: intron variant.
Genome position (GRCh38, 1-based): chr2:47,796,068, G>A. VCF-style: chr2-47796068-G-A. GRCh37 (hg19) VCF-style: chr2-48023207-G-A.
Other names: c.-279-2543G>A (NM_001281493.2); c.238-2543G>A (NM_001281492.2); c.-276+5G>A (NM_001281494.2).
Identifiers: ClinVar variation 1356115 (VCV001356115.6), dbSNP rs2104241590, ClinGen allele CA2573134899.

ClinVar aggregate classification (germline): Uncertain significance (1 of 4 stars; one submission).

Conditions:
Hereditary nonpolyposis colorectal neoplasms. Identifiers: MedGen C0009405, MeSH D003123.

Submission:

Labcorp Genetics (formerly Invitae), Labcorp
Classification: Uncertain significance for Hereditary nonpolyposis colorectal neoplasms. Last evaluated: 2021-06-18. Review status: criteria provided, single submitter. Criteria: Invitae Variant Classification Sherloc (09022015). Collection method: clinical testing. Allele origin: germline.
Comment: In summary, the available evidence is currently insufficient to determine the role of this variant in disease. Therefore, it has been classified as a Variant of Uncertain Significance. Nucleotide substitutions within the consensus splice site are a relatively common cause of aberrant splicing (PMID: 17576681, 9536098). Algorithms developed to predict the effect of sequence changes on RNA splicing suggest that this variant may disrupt the consensus splice site, but this prediction has not been confirmed by published transcriptional studies. This variant has not been reported in the literature in individuals with MSH6-related conditions. This variant is not present in population databases (ExAC no frequency). This sequence change falls in intron 3 of the MSH6 gene. It does not directly change the encoded amino acid sequence of the MSH6 protein. It affects a nucleotide within the consensus splice site of the intron.

Literature cited by the submitters: PubMed 17576681; PubMed 9536098.